The following is an entry in ClinVar:

NM_005876.5(SPEG):c.3941-6C>G

Gene: SPEG (striated muscle enriched protein kinase; plus strand). Cytogenetic location: 2q35.
Variant type: single nucleotide variant.
Coding change: c.3941-6C>G on transcript NM_005876.5 (MANE Select); 6 bases into the intron before coding-DNA position 3941, C replaced by G.
Molecular consequence: intron variant.
Genome position (GRCh38, 1-based): chr2:219,472,884, C>G. VCF-style: chr2-219472884-C-G. GRCh37 (hg19) VCF-style: chr2-220337606-C-G.
Other names: c.3941-6C>G (NM_005876.4).
Identifiers: ClinVar variation 1047468 (VCV001047468.10), dbSNP rs377296068, ClinGen allele CA2126355.
Genomic context (GRCh38, chr2:219,472,884, plus strand): 5'-GCCAGCTGGATGGGGAGGGGTTACTGCTCCTGCAACAGCAGCCTCTAGTAGCTCCTCTCC[C>G]GCCAGACCCGGACTCCCTGACGTACACAGTGCAGCACCAGGTGCTGGGCTCGGACCAGTG-3'

ClinVar aggregate classification (germline): Uncertain significance. Review status: criteria provided, single submitter (1 of 4 stars). 2 submissions from 2 submitters: Uncertain significance (1). 1 of the submissions does not count toward it. Last evaluated 2025-11-03.

Conditions:
SPEG-related disorder. Also called: SPEG-related condition.

Allele frequency attached by ClinVar (database versions not stated): TOPMed 0.00002; ESP Exome Variant Server 0.00008.
gnomAD v4.1: 10 of 1,570,828 alleles (0.00064%); highest among the groups gnomAD compares: Non-Finnish European, 0.00087%; no homozygotes.

Submissions (2):

Labcorp Genetics (formerly Invitae), Labcorp
Classification: Uncertain significance. Last evaluated: 2025-11-03. Review status: criteria provided, single submitter. Criteria: Invitae Variant Classification Sherloc (09022015). Collection method: clinical testing. Allele origin: germline.
Comment: This sequence change falls in intron 15 of the SPEG gene. It does not directly change the encoded amino acid sequence of the SPEG protein. This variant is present in population databases (rs377296068, gnomAD 0.001%). This variant has not been reported in the literature in individuals affected with SPEG-related conditions. ClinVar contains an entry for this variant (Variation ID: 1047468). Algorithms developed to predict the effect of sequence changes on RNA splicing suggest that this variant may disrupt the consensus splice site. In summary, the available evidence is currently insufficient to determine the role of this variant in disease. Therefore, it has been classified as a Variant of Uncertain Significance.

PreventionGenetics, part of Exact Sciences
Classification: Uncertain significance for SPEG-related condition. Last evaluated: 2023-11-02. Review status: no assertion criteria provided. Collection method: clinical testing. Allele origin: germline. Not counted in ClinVar's aggregate classification.
Comment: The SPEG c.3941-6C>G variant is predicted to interfere with splicing. To our knowledge, this variant has not been reported in the literature. This variant is reported in 0.00098% of alleles in individuals of European (Non-Finnish) descent in gnomAD. At this time, the clinical significance of this variant is uncertain due to the absence of conclusive functional and genetic evidence.